The following is an entry in ClinVar:

NM_002350.4(LYN):c.400A>G (p.Ile134Val)

Gene: LYN (LYN proto-oncogene, Src family tyrosine kinase; plus strand). Cytogenetic location: 8q12.1.
Variant type: single nucleotide variant.
Coding change: c.400A>G on transcript NM_002350.4 (MANE Select); coding-DNA position 400, A replaced by G.
Protein change: p.Ile134Val; replaces isoleucine 134 with valine.
Molecular consequence: missense variant.
Genome position (GRCh38, 1-based): chr8:55,950,697, A>G. VCF-style: chr8-55950697-A-G. GRCh37 (hg19) VCF-style: chr8-56863256-A-G.
Other names: c.337A>G, p.Ile113Val (NM_001111097.3); short protein forms I134V, I113V.
Identifiers: ClinVar variation 1432661 (VCV001432661.6), dbSNP rs368483911, ClinGen allele CA4754020.

ClinVar aggregate classification (germline): Uncertain significance (1 of 4 stars; one submission).

Allele frequency attached by ClinVar (database versions not stated): gnomAD exomes below 0.00001 and 0.00001; ExAC 0.00002; gnomAD 0.00004; TOPMed 0.00006; ESP Exome Variant Server 0.00008.
gnomAD v4.1: 8 of 1,613,766 alleles (0.0005%); highest among the groups gnomAD compares: African/African-American, 0.011%; no homozygotes.

Submission:

Labcorp Genetics (formerly Invitae), Labcorp
Classification: Uncertain significance. Last evaluated: 2025-07-15. Review status: criteria provided, single submitter. Criteria: Invitae Variant Classification Sherloc (09022015). Collection method: clinical testing. Allele origin: germline.
Comment: This sequence change replaces isoleucine, which is neutral and non-polar, with valine, which is neutral and non-polar, at codon 134 of the LYN protein (p.Ile134Val). This variant is present in population databases (rs368483911, gnomAD 0.02%). This variant has not been reported in the literature in individuals affected with LYN-related conditions. ClinVar contains an entry for this variant (Variation ID: 1432661). An algorithm developed to predict the effect of missense changes on protein structure and function (PolyPhen-2) suggests that this variant is likely to be tolerated. In summary, the available evidence is currently insufficient to determine the role of this variant in disease. Therefore, it has been classified as a Variant of Uncertain Significance.